The following is an entry in ClinVar:

NM_001283009.2(RTEL1):c.908C>G (p.Ser303Cys)

Genes: RTEL1 (regulator of telomere elongation helicase 1; plus strand), RTEL1-TNFRSF6B (RTEL1-TNFRSF6B readthrough (NMD candidate); plus strand). Cytogenetic location: 20q13.33.
Variant type: single nucleotide variant.
Coding change: c.908C>G on transcript NM_001283009.2 (MANE Select); coding-DNA position 908, C replaced by G.
Protein change: p.Ser303Cys; replaces serine 303 with cysteine.
Molecular consequence: missense variant. On other transcripts: non-coding transcript variant (1).
Genome position (GRCh38, 1-based): chr20:63,674,082, C>G. VCF-style: chr20-63674082-C-G. GRCh37 (hg19) VCF-style: chr20-62305435-C-G.
Other names: c.239C>G, p.Ser80Cys (NM_001283010.1); c.908C>G, p.Ser303Cys (NM_016434.4); c.980C>G, p.Ser327Cys (NM_032957.5); short protein forms S327C, S303C, S80C.
Identifiers: ClinVar variation 4629601 (VCV004629601.1).

ClinVar aggregate classification (germline): Uncertain significance (1 of 4 stars; one submission).

Conditions:
Inborn genetic diseases. Identifiers: MedGen C0950123, MeSH D030342.

Submission:

Ambry Genetics
Classification: Uncertain significance for Inborn genetic diseases. Last evaluated: 2025-11-11. Review status: criteria provided, single submitter. Criteria: Ambry Variant Classification Scheme 2023. Collection method: clinical testing. Allele origin: germline.
Comment: The p.S303C variant (also known as c.908C>G), located in coding exon 9 of the RTEL1 gene, results from a C to G substitution at nucleotide position 908. The serine at codon 303 is replaced by cysteine, an amino acid with dissimilar properties. This amino acid position is conserved. In addition, this alteration is predicted to be tolerated by in silico analysis. Based on the available evidence, the clinical significance of this variant remains unclear.